The following is an entry in ClinVar:

ClinVar aggregate classification (germline): Pathogenic/Likely pathogenic. Review status: criteria provided, multiple submitters, no conflicts (2 of 4 stars). 3 submissions from 3 submitters: Pathogenic (2); Likely pathogenic (1). Last evaluated 2024-08-25.

Conditions:
Intellectual developmental disorder 62. Also called: MENTAL RETARDATION, AUTOSOMAL DOMINANT 62; INTELLECTUAL DEVELOPMENTAL DISORDER, AUTOSOMAL DOMINANT 62. Identifiers: MedGen C5394083, MONDO:0032919, OMIM 618793.

Submissions (3):

GeneDx
Classification: Pathogenic. Last evaluated: 2024-08-25. Review status: criteria provided, single submitter. Criteria: GeneDx Variant Classification Process June 2021. Collection method: clinical testing. Allele origin: germline. Affected: yes.
Comment: Canonical splice site variant predicted to result in a null allele in a gene for which loss of function is a known mechanism of disease; Not observed at significant frequency in large population cohorts (gnomAD); This variant is associated with the following publications: (PMID: 33597769, 35982159, 33057194)

Tumer Group, Copenhagen University Hospital, Rigshospitalet
Classification: Likely pathogenic for Intellectual developmental disorder 62. Last evaluated: 2023-02-28. Review status: criteria provided, single submitter. Criteria: ACMG Guidelines, 2015. Collection method: research. Allele origin: de novo. Affected: yes.

Institute of Human Genetics, University of Leipzig Medical Center
Classification: Pathogenic for Intellectual developmental disorder 62. Last evaluated: 2021-12-21. Review status: criteria provided, single submitter. Criteria: ACMG Guidelines, 2015. Collection method: research. Allele origin: de novo. Affected: yes.

Literature cited by the submitters: PubMed 33597769 (cited by Institute of Human Genetics, University of Leipzig Medical Center).

NM_001321075.3(DLG4):c.211-2A>G

Gene: DLG4 (discs large MAGUK scaffold protein 4; minus strand). Cytogenetic location: 17p13.1.
Variant type: single nucleotide variant.
Coding change: c.211-2A>G on transcript NM_001321075.3 (MANE Select); the canonical splice acceptor site of the intron before coding-DNA position 211, A replaced by G.
Molecular consequence: splice acceptor variant.
Genome position (GRCh38, 1-based): chr17:7,203,818, T>C on the plus strand (A>G on the coding strand, the complement: DLG4 is on the minus strand). VCF-style: chr17-7203818-T-C. GRCh37 (hg19) VCF-style: chr17-7107137-T-C.
Other names: c.340-2A>G (NM_001365.5); c.202-2A>G (NM_001128827.4); c.130-2A>G (NM_001369566.3); c.31-2A>G (NM_001321077.3, NM_001321076.3); c.331-2A>G (NM_001321074.1).
Identifiers: ClinVar variation 1329879 (VCV001329879.3), dbSNP rs2142886707, ClinGen allele CA397720191.
Genomic context (GRCh38, chr17:7,203,818, plus strand): 5'-TCACCGATGTGTGGGTTGTCAGTGCCACCTGCGATGCTGAAGCCCAGACCTGAGTTACCC[T>C]GGGTGAAGGAGGGGAAGAGGGTCAGCTCCCCTCACTGCCCAAGTCTGGCAAGGCAAGTGG-3'